The following is an entry in ClinVar:

ClinVar aggregate classification (germline): Conflicting classifications of pathogenicity. Review status: criteria provided, conflicting classifications (1 of 4 stars). 6 submissions from 5 submitters: Uncertain significance (4); Likely benign (1). 1 of the submissions does not count toward it. Last evaluated 2026-01-25.

Conditions:
Pseudo-Hurler polydystrophy. Also called: Type III Mucolipidosis; ML IIIA; Mucolipidosis III Alpha/Beta; MUCOLIPIDOSIS IIIA; ML III; ML III ALPHA/BETA. Identifiers: Orphanet 423461, Orphanet 577, MedGen C0033788, MONDO:0018931, OMIM 252600.
Mucolipidosis type II. Also called: Mucolipidosis 2; ML 2; Inclusion cell disease; Leroy Disease; N-acetylglucosamine 1phosphotransferase deficiency; ML disorder type 2. Identifiers: Orphanet 576, MedGen C2673377, MONDO:0009650, OMIM 252500.

Allele frequency attached by ClinVar (database versions not stated): 1000 Genomes Project 30x 0.00016; 1000 Genomes Project 0.00020; TOPMed 0.00020; gnomAD exomes 0.00025; ExAC 0.00027; gnomAD 0.00028 and 0.00029.
gnomAD v4.1: 406 of 1,614,130 alleles (0.025%); highest among the groups gnomAD compares: Non-Finnish European, 0.032%; 2 homozygotes.

Submissions (6):

Labcorp Genetics (formerly Invitae), Labcorp
Classification: Likely benign for Pseudo-Hurler polydystrophy; Mucolipidosis type II. Last evaluated: 2026-01-25. Review status: criteria provided, single submitter. Criteria: Invitae Variant Classification Sherloc (09022015). Collection method: clinical testing. Allele origin: germline.

Blueprint Genetics
Classification: Uncertain significance. Last evaluated: 2024-11-27. Review status: criteria provided, single submitter. Criteria: ACMG Guidelines, 2015. Collection method: clinical testing. Allele origin: germline.

Illumina Laboratory Services, Illumina
Classification: Uncertain significance for Mucolipidosis type II. Last evaluated: 2017-04-28. Review status: criteria provided, single submitter. Criteria: ICSL Variant Classification Criteria 13 December 2019. Collection method: clinical testing. Allele origin: germline.

Illumina Laboratory Services, Illumina
Classification: Uncertain significance for Pseudo-Hurler polydystrophy. Last evaluated: 2017-04-28. Review status: criteria provided, single submitter. Criteria: ICSL Variant Classification Criteria 13 December 2019. Collection method: clinical testing. Allele origin: germline.

GeneDx
Classification: Uncertain significance. Last evaluated: 2017-01-19. Review status: criteria provided, single submitter. Criteria: GeneDx Variant Classification (06012015). Collection method: clinical testing. Allele origin: germline. Affected: yes.
Comment: The V781M variant in the GNPTAB gene has been reported previously in an individual with stuttering, however it has not been seen in any cases of mucolipidosis (Raza et al., 2015). The V781M variant was not observed in approximately 6,500 individuals of European and African American ancestry in the NHLBI Exome Sequencing Project, indicating it is not a common benign variant in these populations. The V781M variant is a conservative amino acid substitution, which is not likely to impact secondary protein structure as these residues share similar properties. This substitution occurs at a position that is not conserved. In silico analysis is inconsistent in its predictions as to whether or not the variant is damaging to the protein structure/function. We interpret V781M as a variant of uncertain significance.

Natera, Inc.
Classification: Uncertain significance for Mucolipidosis type II. Last evaluated: 2020-09-16. Review status: no assertion criteria provided. Collection method: clinical testing. Allele origin: germline. Not counted in ClinVar's aggregate classification.

NM_024312.5(GNPTAB):c.2341G>A (p.Val781Met)

Gene: GNPTAB (N-acetylglucosamine-1-phosphate transferase subunits alpha and beta; minus strand). Cytogenetic location: 12q23.2.
Variant type: single nucleotide variant.
Coding change: c.2341G>A on transcript NM_024312.5 (MANE Select); coding-DNA position 2341, G replaced by A.
Protein change: p.Val781Met; replaces valine 781 with methionine.
Molecular consequence: missense variant.
Genome position (GRCh38, 1-based): chr12:101,764,576, C>T on the plus strand (G>A on the coding strand, the complement: GNPTAB is on the minus strand). VCF-style: chr12-101764576-C-T. GRCh37 (hg19) VCF-style: chr12-102158354-C-T.
Other names: short protein forms V781M.
Identifiers: ClinVar variation 388282 (VCV000388282.15), dbSNP rs183435240, ClinGen allele CA6746445.